The following is an entry in ClinVar:

NM_000093.5(COL5A1):c.1039T>C (p.Tyr347His)

Gene: COL5A1 (collagen type V alpha 1 chain; plus strand). Cytogenetic location: 9q34.3.
Variant type: single nucleotide variant.
Coding change: c.1039T>C on transcript NM_000093.5 (MANE Select); coding-DNA position 1039, T replaced by C.
Protein change: p.Tyr347His; replaces tyrosine 347 with histidine.
Molecular consequence: missense variant.
Genome position (GRCh38, 1-based): chr9:134,730,350, T>C. VCF-style: chr9-134730350-T-C. GRCh37 (hg19) VCF-style: chr9-137622196-T-C.
Other names: c.1039T>C, p.Tyr347His (NM_001278074.1); short protein forms Y347H.
Identifiers: ClinVar variation 4869243 (VCV004869243.1).

ClinVar aggregate classification (germline): Uncertain significance (1 of 4 stars; one submission).

Conditions:
Familial thoracic aortic aneurysm and aortic dissection (TAAD). Also called: Thoracic aortic aneurysms and dissections. Identifiers: Orphanet 91387, MedGen C4707243, MONDO:0019625.

Submission:

Ambry Genetics
Classification: Uncertain significance for Familial thoracic aortic aneurysm and aortic dissection. Last evaluated: 2026-04-23. Review status: criteria provided, single submitter. Criteria: Ambry Variant Classification Scheme 2023. Collection method: clinical testing. Allele origin: germline.
Comment: The p.Y347H variant (also known as c.1039T>C), located in coding exon 7 of the COL5A1 gene, results from a T to C substitution at nucleotide position 1039. The tyrosine at codon 347 is replaced by histidine, an amino acid with similar properties. This amino acid position is conserved. In addition, the in silico prediction for this alteration is inconclusive. Based on the available evidence, the clinical significance of this variant remains unclear.